The following is an entry in ClinVar:

NM_205768.3(ZBTB18):c.1237G>A (p.Ala413Thr)

Gene: ZBTB18 (zinc finger and BTB domain containing 18; plus strand). Cytogenetic location: 1q44.
Variant type: single nucleotide variant.
Coding change: c.1237G>A on transcript NM_205768.3 (MANE Select); coding-DNA position 1237, G replaced by A.
Protein change: p.Ala413Thr; replaces alanine 413 with threonine.
Molecular consequence: missense variant.
Genome position (GRCh38, 1-based): chr1:244,055,011, G>A. VCF-style: chr1-244055011-G-A. GRCh37 (hg19) VCF-style: chr1-244218313-G-A.
Other names: c.1210G>A, p.Ala404Thr (NM_001278196.2, NM_006352.5); short protein forms A404T, A413T.
Identifiers: ClinVar variation 737716 (VCV000737716.32), dbSNP rs140492097, ClinGen allele CA1484425.

ClinVar aggregate classification (germline): Likely benign. Review status: criteria provided, multiple submitters, no conflicts (2 of 4 stars). 4 submissions from 4 submitters: Likely benign (4). Last evaluated 2025-11-12.

Conditions:
Intellectual developmental disorder, autosomal dominant 22. Also called: Intellectual disability, autosomal dominant 22. Identifiers: MedGen CN029689, MONDO:0012869, OMIM 612337.

Allele frequency attached by ClinVar (database versions not stated): TOPMed 0.00014; ExAC 0.00046; 1000 Genomes Project 30x 0.00156; gnomAD 0.00023 and 0.00016; gnomAD exomes 0.00030 and 0.00040; ESP Exome Variant Server 0.00054; 1000 Genomes Project 0.00180.
gnomAD v4.1: 492 of 1,614,152 alleles (0.03%); highest among the groups gnomAD compares: Middle Eastern, 0.2%; no homozygotes.

Submissions (4):

Labcorp Genetics (formerly Invitae), Labcorp
Classification: Likely benign. Last evaluated: 2025-11-12. Review status: criteria provided, single submitter. Criteria: Invitae Variant Classification Sherloc (09022015). Collection method: clinical testing. Allele origin: germline.

CeGaT Center for Human Genetics Tuebingen
Classification: Likely benign. Last evaluated: 2024-04-01. Review status: criteria provided, single submitter. Criteria: CeGaT Center For Human Genetics Tuebingen Variant Classification Criteria Version 2. Collection method: clinical testing. Allele origin: germline. Affected: yes. Observed: 2 variant alleles.
Comment: ZBTB18: BS1

Dubai Health Genomic Medicine Center, Dubai Health
Classification: Likely benign for Intellectual developmental disorder, autosomal dominant 22. Last evaluated: 2020-01-06. Review status: criteria provided, single submitter. Criteria: ACMG Guidelines, 2015. Collection method: clinical testing. Allele origin: germline. Affected: yes.

Breakthrough Genomics
Classification: Likely benign. Review status: criteria provided, single submitter. Criteria: ACMG Guidelines, 2015. Collection method: not provided. Allele origin: germline. Inheritance: Autosomal dominant inheritance. Affected: yes.